The following is an entry in ClinVar:

NM_017613.4(DONSON):c.485G>A (p.Arg162Gln)

Gene: DONSON (DNA replication fork stabilization factor DONSON; minus strand). Cytogenetic location: 21q22.11.
Variant type: single nucleotide variant.
Coding change: c.485G>A on transcript NM_017613.4 (MANE Select); coding-DNA position 485, G replaced by A.
Protein change: p.Arg162Gln; replaces arginine 162 with glutamine.
Molecular consequence: missense variant.
Genome position (GRCh38, 1-based): chr21:33,586,099, C>T on the plus strand (G>A on the coding strand, the complement: DONSON is on the minus strand). VCF-style: chr21-33586099-C-T. GRCh37 (hg19) VCF-style: chr21-34958405-C-T.
Other names: c.485G>A (NM_017613.3); short protein forms R162Q.
Identifiers: ClinVar variation 2228192 (VCV002228192.3), dbSNP rs1157457025, ClinGen allele CA410141722.

ClinVar aggregate classification (germline): Uncertain significance. Review status: criteria provided, multiple submitters, no conflicts (2 of 4 stars). 2 submissions from 2 submitters: Uncertain significance (2). Last evaluated 2023-06-02.

Conditions:
Inborn genetic diseases. Identifiers: MedGen C0950123, MeSH D030342.

Allele frequency attached by ClinVar (database versions not stated): gnomAD 0.00001; gnomAD exomes 0.00001; TOPMed 0.00001.

Submissions (2):

GeneDx
Classification: Uncertain significance. Last evaluated: 2023-06-02. Review status: criteria provided, single submitter. Criteria: GeneDx Variant Classification Process June 2021. Collection method: clinical testing. Allele origin: germline. Affected: yes.
Comment: Not observed at significant frequency in large population cohorts (gnomAD); In silico analysis supports that this missense variant has a deleterious effect on protein structure/function; Has not been previously published as pathogenic or benign to our knowledge

Ambry Genetics
Classification: Uncertain significance for Inborn genetic diseases. Last evaluated: 2020-12-01. Review status: criteria provided, single submitter. Criteria: Ambry Variant Classification Scheme 2023. Collection method: clinical testing. Allele origin: germline.